The following is an entry in ClinVar:

NM_003579.4(RAD54L):c.2080C>T (p.Pro694Ser)

Genes: LRRC41 (leucine rich repeat containing 41; minus strand), RAD54L (RAD54 like; plus strand). Cytogenetic location: 1p34.1.
Variant type: single nucleotide variant.
Coding change: c.2080C>T on transcript NM_003579.4 (MANE Select); coding-DNA position 2080, C replaced by T.
Protein change: p.Pro694Ser; replaces proline 694 with serine.
Molecular consequence: missense variant. On other transcripts: 3 prime UTR variant (1).
Genome position (GRCh38, 1-based): chr1:46,278,118, C>T. VCF-style: chr1-46278118-C-T. GRCh37 (hg19) VCF-style: chr1-46743790-C-T.
Other names: c.*747G>A (NM_006369.5); c.2080C>T, p.Pro694Ser (NM_001142548.2); c.1540C>T, p.Pro514Ser (NM_001370766.1); short protein forms P514S, P694S.
Identifiers: ClinVar variation 2464347 (VCV002464347.2), dbSNP rs140793609, ClinGen allele CA834809.

ClinVar aggregate classification (germline): Uncertain significance (1 of 4 stars; one submission).

Allele frequency attached by ClinVar (database versions not stated): ESP Exome Variant Server 0.00008.
gnomAD v4.1: 97 of 1,613,984 alleles (0.006%); highest among the groups gnomAD compares: Non-Finnish European, 0.0075%; no homozygotes.

Submission:

Ambry Genetics
Classification: Uncertain significance. Last evaluated: 2023-01-29. Review status: criteria provided, single submitter. Criteria: Ambry Variant Classification Scheme 2023. Collection method: clinical testing. Allele origin: germline.
Comment: The p.P694S variant (also known as c.2080C>T), located in coding exon 18 of the RAD54L gene, results from a C to T substitution at nucleotide position 2080. The proline at codon 694 is replaced by serine, an amino acid with similar properties. This amino acid position is conserved. In addition, this alteration is predicted to be tolerated by in silico analysis. Since supporting evidence is limited at this time, the clinical significance of this alteration remains unclear.